The following is an entry in ClinVar:

NM_001353921.2(ARHGEF9):c.430A>G (p.Arg144Gly)

Gene: ARHGEF9 (Cdc42 guanine nucleotide exchange factor 9; minus strand). Cytogenetic location: Xq11.1.
Variant type: single nucleotide variant.
Coding change: c.430A>G on transcript NM_001353921.2 (MANE Select); coding-DNA position 430, A replaced by G.
Protein change: p.Arg144Gly; replaces arginine 144 with glycine.
Molecular consequence: missense variant. On other transcripts: 5 prime UTR variant (1).
Genome position (GRCh38, 1-based): chrX:63,697,277, T>C on the plus strand (A>G on the coding strand, the complement: ARHGEF9 is on the minus strand). VCF-style: chrX-63697277-T-C. GRCh37 (hg19) VCF-style: chrX-62917157-T-C.
Other names: c.250A>G, p.Arg84Gly (NM_001173479.2); c.103A>G, p.Arg35Gly (NM_001173480.2, NM_001369042.1); c.346A>G, p.Arg116Gly (NM_001330495.2, NM_001353927.2, NM_001369033.1 and 8 more transcripts); c.430A>G, p.Arg144Gly (NM_001353922.2); c.448A>G, p.Arg150Gly (NM_001353923.1); c.229A>G, p.Arg77Gly (NM_001353924.2, NM_001353926.2, NM_001369039.1 and 1 more transcripts); c.409A>G, p.Arg137Gly (NM_001353928.2, NM_001369030.1, NM_001369031.1 and 2 more transcripts); c.-6A>G (NM_001369045.1); short protein forms R116G, R137G, R144G, R150G, R35G, R77G, R84G.
Identifiers: ClinVar variation 1306838 (VCV001306838.2), dbSNP rs2147450998, ClinGen allele CA413407181.

ClinVar aggregate classification (germline): Uncertain significance (1 of 4 stars; one submission).

Submission:

GeneDx
Classification: Uncertain significance. Last evaluated: 2019-03-18. Review status: criteria provided, single submitter. Criteria: GeneDx Variant Classification Process June 2021. Collection method: clinical testing. Allele origin: germline. Affected: yes.
Comment: Not observed in large population cohorts (Lek et al., 2016); In silico analysis, which includes protein predictors and evolutionary conservation, supports that this variant does not alter protein structure/function; Has not been previously published as pathogenic or benign to our knowledge